The following is an entry in ClinVar:

ClinVar aggregate classification (germline): Likely benign (0 of 4 stars; one submission).

Conditions:
CYP4F2-related disorder. Also called: CYP4F2-related condition.

Submission:

PreventionGenetics, part of Exact Sciences
Classification: Likely benign for CYP4F2-related condition. Last evaluated: 2021-02-04. Review status: no assertion criteria provided. Collection method: clinical testing. Allele origin: germline.
Comment: This variant is classified as likely benign based on ACMG/AMP sequence variant interpretation guidelines (Richards et al. 2015 PMID: 25741868, with internal and published modifications).

NM_001082.5(CYP4F2):c.*8A>G

Gene: CYP4F2 (cytochrome P450 family 4 subfamily F member 2; minus strand). Cytogenetic location: 19p13.12.
Variant type: single nucleotide variant.
Coding change: c.*8A>G on transcript NM_001082.5 (MANE Select); 8 bases downstream of the stop codon, A replaced by G.
Molecular consequence: 3 prime UTR variant.
Genome position (GRCh38, 1-based): chr19:15,878,763, T>C on the plus strand (A>G on the coding strand, the complement: CYP4F2 is on the minus strand). VCF-style: chr19-15878763-T-C. GRCh37 (hg19) VCF-style: chr19-15989573-T-C.
Identifiers: ClinVar variation 3031223 (VCV003031223.2), dbSNP rs2512624494, ClinGen allele CA2740091971.